The following is an entry in ClinVar:

ClinVar aggregate classification (germline): Uncertain significance. Review status: criteria provided, multiple submitters, no conflicts (2 of 4 stars). 2 submissions from 2 submitters: Uncertain significance (2). Last evaluated 2025-05-23.

Conditions:
Inborn genetic diseases. Identifiers: MedGen C0950123, MeSH D030342.
Short-rib thoracic dysplasia 11 with or without polydactyly (SRTD11). Also called: SHORT-RIB THORACIC DYSPLASIA 11 WITHOUT POLYDACTYLY. Identifiers: Orphanet 474, Orphanet 93271, MedGen C3810200, MONDO:0014287, OMIM 615633.

gnomAD v4.1: 25 of 1,595,918 alleles (0.0016%); highest among the groups gnomAD compares: Admixed American, 0.0053%; no homozygotes.

Submissions (2):

Ambry Genetics
Classification: Uncertain significance for Inborn genetic diseases. Last evaluated: 2025-05-23. Review status: criteria provided, single submitter. Criteria: Ambry Variant Classification Scheme 2023. Collection method: clinical testing. Allele origin: germline.

Labcorp Genetics (formerly Invitae), Labcorp
Classification: Uncertain significance for Short-rib thoracic dysplasia 11 with or without polydactyly. Last evaluated: 2022-02-22. Review status: criteria provided, single submitter. Criteria: Invitae Variant Classification Sherloc (09022015). Collection method: clinical testing. Allele origin: germline.
Comment: This sequence change replaces histidine, which is basic and polar, with asparagine, which is neutral and polar, at codon 391 of the WDR34 protein (p.His391Asn). The frequency data for this variant in the population databases is considered unreliable, as metrics indicate poor data quality at this position in the gnomAD database. This variant has not been reported in the literature in individuals affected with WDR34-related conditions. Algorithms developed to predict the effect of missense changes on protein structure and function are either unavailable or do not agree on the potential impact of this missense change (SIFT: "Deleterious"; PolyPhen-2: "Probably Damaging"; Align-GVGD: "Class C0"). In summary, the available evidence is currently insufficient to determine the role of this variant in disease. Therefore, it has been classified as a Variant of Uncertain Significance.

NM_052844.4(DYNC2I2):c.1171C>A (p.His391Asn)

Genes: DYNC2I2 (dynein 2 intermediate chain 2; minus strand), LOC126860772 (CDK7 strongly-dependent group 2 enhancer GRCh37_chr9:131396972-131398171; plus strand). Cytogenetic location: 9q34.11.
Variant type: single nucleotide variant.
Coding change: c.1171C>A on transcript NM_052844.4 (MANE Select); coding-DNA position 1171, C replaced by A.
Protein change: p.His391Asn; replaces histidine 391 with asparagine.
Molecular consequence: missense variant.
Genome position (GRCh38, 1-based): chr9:128,634,732, G>T on the plus strand (C>A on the coding strand, the complement: DYNC2I2 is on the minus strand). VCF-style: chr9-128634732-G-T. GRCh37 (hg19) VCF-style: chr9-131397011-G-T.
Other names: c.1171C>A (NM_052844.3); short protein forms H391N.
Identifiers: ClinVar variation 2074253 (VCV002074253.2), dbSNP rs537004785, ClinGen allele CA375112182.